The following is an entry in ClinVar:

NM_030632.3(ASXL3):c.1777G>T (p.Glu593Ter)

Gene: ASXL3 (ASXL transcriptional regulator 3; plus strand). Cytogenetic location: 18q12.1.
Variant type: single nucleotide variant.
Coding change: c.1777G>T on transcript NM_030632.3 (MANE Select); coding-DNA position 1777, G replaced by T.
Protein change: p.Glu593Ter; replaces glutamic acid 593 with a stop codon.
Molecular consequence: nonsense.
Genome position (GRCh38, 1-based): chr18:33,739,181, G>T. VCF-style: chr18-33739181-G-T. GRCh37 (hg19) VCF-style: chr18-31319145-G-T.
Other names: short protein forms E593*.
Identifiers: ClinVar variation 265593 (VCV000265593.2), dbSNP rs886039650, ClinGen allele CA10588678.

ClinVar aggregate classification (germline): Pathogenic (1 of 4 stars; one submission).

Submission:

GeneDx
Classification: Pathogenic. Last evaluated: 2016-06-07. Review status: criteria provided, single submitter. Criteria: GeneDx Variant Classification (06012015). Collection method: clinical testing. Allele origin: germline. Affected: yes.
Comment: The E593X pathogenic variant in the ASXL3 gene has not been reported previously as a pathogenic variant nor as a benign variant, to our knowledge. This variant is predicted to cause loss of normal protein function either through protein truncation or nonsense-mediated mRNA decay. The E593X variant was not observed in approximately 6000 individuals of European and African American ancestry in the NHLBI Exome Sequencing Project, indicating it is not a common benign variant in these populations. We interpret E593X as a pathogenic variant.